The following is an entry in ClinVar:

NM_183235.3(RAB27A):c.49G>A (p.Asp17Asn)

Gene: RAB27A (RAB27A, member RAS oncogene family; minus strand). Cytogenetic location: 15q21.3.
Variant type: single nucleotide variant.
Coding change: c.49G>A on transcript NM_183235.3 (MANE Select); coding-DNA position 49, G replaced by A.
Protein change: p.Asp17Asn; replaces aspartic acid 17 with asparagine.
Molecular consequence: missense variant.
Genome position (GRCh38, 1-based): chr15:55,234,886, C>T on the plus strand (G>A on the coding strand, the complement: RAB27A is on the minus strand). VCF-style: chr15-55234886-C-T. GRCh37 (hg19) VCF-style: chr15-55527084-C-T.
Other names: c.49G>A, p.Asp17Asn (NM_004580.5, NM_183234.3, NM_183236.3); short protein forms D17N.
Identifiers: ClinVar variation 1483643 (VCV001483643.6), dbSNP rs777995262, ClinGen allele CA7573712.

ClinVar aggregate classification (germline): Uncertain significance (1 of 4 stars; one submission).

Conditions:
Griscelli syndrome type 2 (GS2). Also called: PAID SYNDROME; PARTIAL ALBINISM AND IMMUNODEFICIENCY SYNDROME; GRISCELLI SYNDROME WITH HEMOPHAGOCYTIC SYNDROME. Identifiers: Orphanet 381, Orphanet 79477, MedGen C1868679, MONDO:0011872, OMIM 607624.

Allele frequency attached by ClinVar (database versions not stated): TOPMed below 0.00001; gnomAD exomes 0.00003 and 0.00004; ExAC 0.00005.
gnomAD v4.1: 20 of 1,612,572 alleles (0.0012%); highest among the groups gnomAD compares: South Asian, 0.022%; 1 homozygote.

Submission:

Labcorp Genetics (formerly Invitae), Labcorp
Classification: Uncertain significance for Griscelli syndrome type 2. Last evaluated: 2021-10-27. Review status: criteria provided, single submitter. Criteria: Invitae Variant Classification Sherloc (09022015). Collection method: clinical testing. Allele origin: germline.
Comment: This sequence change replaces aspartic acid, a(n) acidic and polar amino acid, with asparagine, a(n) neutral and polar amino acid, at codon 17 of the RAB27A protein (p.Asp17Asn). This variant is present in population databases (rs777995262, gnomAD 0.03%), including at least one homozygous and/or hemizygous individual. This variant has not been reported in the literature in individuals affected with RAB27A-related conditions. Algorithms developed to predict the effect of missense changes on protein structure and function are either unavailable or do not agree on the potential impact of this missense change (SIFT: "Deleterious"; PolyPhen-2: "Probably Damaging"; Align-GVGD: "Class C15"). In summary, the available evidence is currently insufficient to determine the role of this variant in disease. Therefore, it has been classified as a Variant of Uncertain Significance.